The following is an entry in ClinVar:

ClinVar aggregate classification (germline): Pathogenic (1 of 4 stars; one submission).

Conditions:
CEP290-related ciliopathy. Also called: CEP290 ciliopathy. Identifiers: MedGen CN305601, MONDO:0100451.

Submission:

Myriad Genetics, Inc.
Classification: Pathogenic for CEP290-related ciliopathy. Last evaluated: 2026-05-11. Review status: criteria provided, single submitter. Criteria: Myriad Autosomal Dominant, Autosomal Recessive and X-Linked Classification Criteria (2023). Collection method: clinical testing. Allele origin: unknown.
Comment: NM_025114.3(CEP290):c.5796delA(E1933Rfs*7) is expected to be pathogenic in the context of CEP290-related disorders. This variant is predicted to lead to an abnormal or absent protein product due to the creation of a premature termination codon in CEP290, a gene where loss-of-function variants are known to be pathogenic. Please note: this variant was assessed in the context of healthy population screening.

NM_025114.4(CEP290):c.5796del (p.Glu1933fs)

Gene: CEP290 (centrosomal protein 290; minus strand). Cytogenetic location: 12q21.32.
Variant type: Deletion.
Coding change: c.5796del on transcript NM_025114.4 (MANE Select); coding-DNA position 5796, one base deleted (A; older notation c.5796delA).
Protein change: p.Glu1933fs; shifts the reading frame from glutamic acid 1933.
Molecular consequence: frameshift variant.
Genome position (GRCh38, 1-based): chr12:88,071,840, T deleted on the plus strand (A on the coding strand, the reverse complement: CEP290 is on the minus strand); the first of 3 consecutive T bases (chr12:88,071,840-88,071,842); deleting any one gives the same sequence. VCF-style (leftmost placement, unchanged base first): chr12-88071839-CT-C. GRCh37 (hg19) VCF-style: chr12-88465616-CT-C.
Other names: short protein forms E1933fs.
Identifiers: ClinVar variation 5015899 (VCV005015899.1).
Genomic context (GRCh38, chr12:88,071,839, plus strand): 5'-ACTTGGCAAAAAGATCCTTCAAAGTATTCAACTGCTTTGTTAAAGTAAAGACTTCCCCCT[CT>C]TTCTCTTTTAACTTGTTTCGAATTCCTTCTATTTTGGCTTGCCACTTTTTACCTTCTTCC-3'